The following is an entry in ClinVar:

GRCh37/hg19 4q33-35.1(chr4:171476330-184998011)x1

Genes: ADAM29 (ADAM metallopeptidase domain 29; plus strand), AGA (aspartylglucosaminidase; minus strand), ASB5 (ankyrin repeat and SOCS box containing 5; minus strand), CDKN2AIP (CDKN2A interacting protein; plus strand), CEP44 (centrosomal protein 44; plus strand) and 24 more. Cytogenetic location: 4q33-35.1.
Variant type: copy number loss.
Change: copy number 1 (one copy instead of two) of chr4:171,476,330-184,998,011 (13.52 Mb, GRCh37 coordinates, 1-based), cytogenetic band 4q33-35.1.
Identifiers: ClinVar variation 2685134 (VCV002685134.1).

ClinVar aggregate classification (germline): Likely pathogenic (1 of 4 stars; one submission).

Submission:

Quest Diagnostics Nichols Institute San Juan Capistrano
Classification: Likely pathogenic. Last evaluated: 2022-12-09. Review status: criteria provided, single submitter. Criteria: ACMG/ClinGen CNV Guidelines, 2019. Collection method: clinical testing. Allele origin: unknown.
Comment: The copy number loss of 4q33q35.1 involves several protein-coding genes. Deletions involving this interval have been reported in individuals with variable phenotypes (Vona 2014). There have been several affected individuals with deletions fully encompassed by the current deletion reported in the Decipher database (Wright 2015). Furthermore, a smaller deletion involving HAND2 segregated in a family with congenital heart defects (Cohen 2020), with haploinsufficiency of HAND2 proposed as the mechanism of these disorders. Heterozygous truncating variants of VEGFC are associated with autosomal dominant lymphatic malformation 4 (LMPHM4; OMIM 615907). There are no similar copy number losses of this region in the general populations of the Database of Genomic Variant. this copy number variant (CNV) is classified as likely pathogenic. References: Cohen et al., Am J Med Genet A. 2020 May;182(5):1263-1267. PMID: 32134193 Vona et al., BMC Med Genet. 2014 Jun 25;15:72. PMID: 24962056 Wright et al., Lancet. 2015 Apr 4;385(9975):1305-14. PMID: 25529582